The following is an entry in ClinVar:

NM_001349338.3(FOXP1):c.1313G>A (p.Arg438Gln)

Gene: FOXP1 (forkhead box P1; minus strand). Cytogenetic location: 3p13.
Variant type: single nucleotide variant.
Coding change: c.1313G>A on transcript NM_001349338.3 (MANE Select); coding-DNA position 1313, G replaced by A.
Protein change: p.Arg438Gln; replaces arginine 438 with glutamine.
Molecular consequence: missense variant. On other transcripts: non-coding transcript variant (2).
Genome position (GRCh38, 1-based): chr3:70,977,863, C>T on the plus strand (G>A on the coding strand, the complement: FOXP1 is on the minus strand). VCF-style: chr3-70977863-C-T. GRCh37 (hg19) VCF-style: chr3-71027014-C-T.
Other names: c.1313G>A, p.Arg438Gln (NM_001244808.3, NM_001244810.2, NM_001244814.3 and 3 more transcripts); c.1085G>A, p.Arg362Gln (NM_001244812.3); c.1013G>A, p.Arg338Gln (NM_001244813.3, NM_001244815.2, NM_001349342.3 and 1 more transcripts); c.1010G>A, p.Arg337Gln (NM_001349337.2, NM_001349343.3, NM_001349344.3); c.1310G>A, p.Arg437Gln (NM_001349341.3); c.1085G>A (NM_001244812.1); short protein forms R362Q, R338Q, R438Q, R337Q, R437Q.
Identifiers: ClinVar variation 1030051 (VCV001030051.5), dbSNP rs2037908174, ClinGen allele CA353493464.

ClinVar aggregate classification (germline): Conflicting classifications of pathogenicity. Review status: criteria provided, conflicting classifications (1 of 4 stars). 4 submissions from 4 submitters: Uncertain significance (3); Likely benign (1). Last evaluated 2023-03-17.

Conditions:
Autism spectrum disorder. Also called: Autism spectrum disorders. Identifiers: MedGen C1510586, MeSH D000067877, MONDO:0005258.
Intellectual disability-severe speech delay-mild dysmorphism syndrome (IDDLA). Also called: Mental retardation with language impairment and autistic features; Intellectual developmental disorder with language impairment AND with or without autistic features; FOXP1 Syndrome. Identifiers: Orphanet 391372, MedGen C4013764, MONDO:0013352, OMIM 613670.

Allele frequency attached by ClinVar (database versions not stated): gnomAD exomes below 0.00001.
gnomAD v4.1: 1 of 1,614,102 alleles (0.000062%); highest among the groups gnomAD compares: Non-Finnish European, 0.000085%; no homozygotes.

Submissions (4):

GeneDx
Classification: Uncertain significance. Last evaluated: 2023-03-17. Review status: criteria provided, single submitter. Criteria: GeneDx Variant Classification Process June 2021. Collection method: clinical testing. Allele origin: germline. Affected: yes.
Comment: Not observed at significant frequency in large population cohorts (gnomAD); In silico analysis supports that this missense variant has a deleterious effect on protein structure/function; Has not been previously published as pathogenic or benign to our knowledge

Blueprint Genetics
Classification: Uncertain significance. Last evaluated: 2022-04-07. Review status: criteria provided, single submitter. Criteria: ACMG Guidelines, 2015. Collection method: clinical testing. Allele origin: germline.

Department of Genetics, Rouen University Hospital, Normandy Center for Genomic and Personalized Medicine
Classification: Likely benign for Autism spectrum disorder. Last evaluated: 2021-03-29. Review status: criteria provided, single submitter. Criteria: ACMG Guidelines, 2015. Collection method: clinical testing. Allele origin: paternal. Affected: yes.

Baylor Genetics
Classification: Uncertain significance for Intellectual disability-severe speech delay-mild dysmorphism syndrome. Last evaluated: 2020-08-11. Review status: criteria provided, single submitter. Criteria: ACMG Guidelines, 2015. Collection method: clinical testing. Allele origin: unknown. Affected: yes.
Comment: This variant was determined to be of uncertain significance according to ACMG Guidelines, 2015 [PMID:25741868].